The following is an entry in ClinVar:

NM_003235.5(TG):c.3749G>T (p.Arg1250Leu)

Gene: TG (thyroglobulin; plus strand). Cytogenetic location: 8q24.22.
Variant type: single nucleotide variant.
Coding change: c.3749G>T on transcript NM_003235.5 (MANE Select); coding-DNA position 3749, G replaced by T.
Protein change: p.Arg1250Leu; replaces arginine 1250 with leucine.
Molecular consequence: missense variant.
Genome position (GRCh38, 1-based): chr8:132,906,802, G>T. VCF-style: chr8-132906802-G-T. GRCh37 (hg19) VCF-style: chr8-133919047-G-T.
Other names: short protein forms R1250L.
Identifiers: ClinVar variation 361948 (VCV000361948.49), dbSNP rs114944116, ClinGen allele CA4883871.

ClinVar aggregate classification (germline): Conflicting classifications of pathogenicity. Review status: criteria provided, conflicting classifications (1 of 4 stars). 9 submissions from 9 submitters: Uncertain significance (2); Likely benign (5). 2 of the submissions do not count toward it. Last evaluated 2026-11-03.

Conditions:
Iodotyrosyl coupling defect (TDH3). Also called: THYROID HORMONOGENESIS, GENETIC DEFECT IN, 3; HYPOTHYROIDISM, CONGENITAL, DUE TO DYSHORMONOGENESIS, 3. Identifiers: Orphanet 95716, MedGen C0342194, MONDO:0010135, OMIM 274700.
TG-related disorder. Also called: TG-related disorders; TG-related condition.
Congenital hypothyroidism. Identifiers: Orphanet 442, MedGen C0010308, MONDO:0018612, HP:0000851.

Allele frequency attached by ClinVar (database versions not stated): ESP Exome Variant Server 0.00315; 1000 Genomes Project 30x 0.00156; TOPMed 0.00385; 1000 Genomes Project 0.00120.
gnomAD v4.1: 6,431 of 1,614,166 alleles (0.4%); highest among the groups gnomAD compares: Non-Finnish European, 0.5%; 19 homozygotes.

Submissions (11):

Cambridge Genomics Laboratory, East Genomic Laboratory Hub, NHS Genomic Medicine Service
Classification: Likely benign for Congenital hypothyroidism. Last evaluated: 2026-11-03. Review status: criteria provided, single submitter. Criteria: ACGS Best Practice Guidelines for Variant Classification in Rare Disease 2020. Collection method: clinical testing. Allele origin: germline. Affected: yes.

CeGaT Center for Human Genetics Tuebingen
Classification: Likely benign. Last evaluated: 2026-04-01. Review status: criteria provided, single submitter. Criteria: CeGaT Center For Human Genetics Tuebingen Variant Classification Criteria Version 2. Collection method: clinical testing. Allele origin: germline. Affected: yes. Observed: 8 variant alleles.
Comment: TG: BP4, BS2

Labcorp Genetics (formerly Invitae), Labcorp
Classification: Likely benign. Last evaluated: 2026-01-27. Review status: criteria provided, single submitter. Criteria: Invitae Variant Classification Sherloc (09022015). Collection method: clinical testing. Allele origin: germline.

PreventionGenetics, part of Exact Sciences
Classification: Likely benign for TG-related condition. Last evaluated: 2025-02-17. Review status: criteria provided, single submitter. Criteria: ACMG Guidelines, 2015. Collection method: clinical testing. Allele origin: germline.
Comment: This variant is classified as likely benign based on ACMG/AMP sequence variant interpretation guidelines (Richards et al. 2015 PMID: 25741868, with internal and published modifications).

Women's Health and Genetics/Laboratory Corporation of America, LabCorp
Classification: Likely benign. Last evaluated: 2024-08-27. Review status: criteria provided, single submitter. Criteria: LabCorp Variant Classification Summary - May 2015. Collection method: clinical testing. Allele origin: germline.
Comment: Variant summary: TG c.3749G>T (p.Arg1250Leu) results in a non-conservative amino acid change in the encoded protein sequence. Three of five in-silico tools predict a benign effect of the variant on protein function. The variant allele was found at a frequency of 0.0024 in 251248 control chromosomes (including 2 homozygotes) predominantly at a frequency of 0.0043 within the Non-Finnish European subpopulation in the gnomAD database. The observed variant frequency within Non-Finnish European control individuals in the gnomAD database exceeds the estimated maximal expected allele frequency for a pathogenic variant in TG causing TG-Related Disorders. c.3749G>T has been reported in the literature in individuals affected with TG-Related Disorders, without strong evidence for causality (e.g. de Filippis_2017, Fernandez-Cancio_2024). These reports do not provide unequivocal conclusions about association of the variant with TG-Related Disorders. To our knowledge, no experimental evidence demonstrating an impact on protein function has been reported. The following publications have been ascertained in the context of this evaluation (PMID: 28444304, 39040671). ClinVar contains an entry for this variant (Variation ID: 361948). Based on the evidence outlined above, the variant was classified as likely benign.

GeneDx
Classification: Uncertain significance. Last evaluated: 2023-11-30. Review status: criteria provided, single submitter. Criteria: GeneDx Variant Classification Process June 2021. Collection method: clinical testing. Allele origin: germline. Affected: yes.
Comment: Identified in a cohort of individuals with congenital hypothyroidism, however, additional clinical and segregation information and functional analysis was not provided (PMID: 28444304); In silico analysis supports that this missense variant has a deleterious effect on protein structure/function; This variant is associated with the following publications: (PMID: 33689781, 28444304)

Illumina Laboratory Services, Illumina
Classification: Uncertain significance for Iodotyrosyl coupling defect. Last evaluated: 2018-01-12. Review status: criteria provided, single submitter. Criteria: ICSL Variant Classification Criteria 13 December 2019. Collection method: clinical testing. Allele origin: germline.

Clinical Genetics DNA and cytogenetics Diagnostics Lab, Erasmus MC, Erasmus Medical Center
Classification: Likely benign. Review status: no assertion criteria provided. Collection method: clinical testing. Allele origin: germline. Affected: yes. Study: VKGL Data-share Consensus. Not counted in ClinVar's aggregate classification.

Clinical Genetics, Academic Medical Center
Classification: Likely benign. Review status: no assertion criteria provided. Collection method: clinical testing. Allele origin: germline. Affected: yes. Study: VKGL Data-share Consensus. Not counted in ClinVar's aggregate classification.

Dr. Peter K. Rogan Lab, Western University
No classification provided (evidence only). Condition: Thyroid cancer, nonmedullary, 1. Review status: no classification provided. Collection method: in vitro. Allele origin: not applicable. Functional consequence: skipped exon. Not counted in ClinVar's aggregate classification.

Dr. Peter K. Rogan Lab, Western University
No classification provided (evidence only). Condition: Thyroid cancer, nonmedullary, 1. Review status: no classification provided. Collection method: in vitro. Allele origin: not applicable. Functional consequence: skipped exon. Not counted in ClinVar's aggregate classification.

Literature cited by the submitters: PubMed 28444304 (cited by Women's Health and Genetics/Laboratory Corporation of America, LabCorp); PubMed 39040671 (cited by Women's Health and Genetics/Laboratory Corporation of America, LabCorp).